The following is an entry in ClinVar:

NM_001042492.3(NF1):c.7599C>T (p.Asn2533=)

Gene: NF1 (neurofibromin 1; plus strand). Cytogenetic location: 17q11.2.
Variant type: single nucleotide variant.
Coding change: c.7599C>T on transcript NM_001042492.3 (MANE Select); coding-DNA position 7599, C replaced by T.
Protein change: p.Asn2533=; no amino-acid change (asparagine 2533 retained).
Molecular consequence: synonymous variant.
Genome position (GRCh38, 1-based): chr17:31,352,398, C>T. VCF-style: chr17-31352398-C-T. GRCh37 (hg19) VCF-style: chr17-29679416-C-T.
Other names: c.7536C>T, p.Asn2512= (NM_000267.4).
Identifiers: ClinVar variation 741717 (VCV000741717.32), dbSNP rs1597862269, ClinGen allele CA499239319.

ClinVar aggregate classification (germline): Likely benign. Review status: criteria provided, multiple submitters, no conflicts (2 of 4 stars). 3 submissions from 3 submitters: Likely benign (3). Last evaluated 2025-09-20.

Conditions:
Hereditary cancer-predisposing syndrome. Also called: Hereditary Cancer Syndrome; Neoplastic Syndromes, Hereditary; Hereditary neoplastic syndrome; Tumor predisposition. Identifiers: Orphanet 140162, MedGen C0027672, MeSH D009386, MONDO:0015356.
Cardiovascular phenotype. Identifiers: MedGen CN230736.
Neurofibromatosis, type 1 (NF1). Also called: Peripheral type neurofibromatosis; VON RECKLINGHAUSEN DISEASE; NEUROFIBROMATOSIS, TYPE I, SOMATIC; Neurofibromatosis, type I. Identifiers: Orphanet 636, MedGen C0027831, MONDO:0018975, OMIM 162200. Disease mechanism: loss of function.

Allele frequency attached by ClinVar (database versions not stated): gnomAD exomes below 0.00001.
gnomAD v4.1: 2 of 1,612,810 alleles (0.00012%); highest among the groups gnomAD compares: Non-Finnish European, 0.00017%; no homozygotes.

Submissions (3):

Labcorp Genetics (formerly Invitae), Labcorp
Classification: Likely benign for Neurofibromatosis, type 1. Last evaluated: 2025-09-20. Review status: criteria provided, single submitter. Criteria: Invitae Variant Classification Sherloc (09022015). Collection method: clinical testing. Allele origin: germline.

CeGaT Center for Human Genetics Tuebingen
Classification: Likely benign. Last evaluated: 2022-07-01. Review status: criteria provided, single submitter. Criteria: CeGaT Center For Human Genetics Tuebingen Variant Classification Criteria Version 2. Collection method: clinical testing. Allele origin: germline. Affected: yes. Observed: 1 variant allele.
Comment: NF1: PM2:Supporting, BP4, BP7

Ambry Genetics
Classification: Likely benign for Cardiovascular phenotype; Hereditary cancer-predisposing syndrome. Last evaluated: 2020-03-11. Review status: criteria provided, single submitter. Criteria: Ambry Variant Classification Scheme 2023. Collection method: clinical testing. Allele origin: germline.